The following is an entry in ClinVar:

ClinVar aggregate classification (germline): Benign. Review status: criteria provided, multiple submitters, no conflicts (2 of 4 stars). 2 submissions from 2 submitters: Benign (2). Last evaluated 2018-06-19.

Allele frequency attached by ClinVar (database versions not stated): 1000 Genomes Project 30x 0.23079; 1000 Genomes Project 0.23123; TOPMed 0.27570; gnomAD 0.29178 and 0.29342; gnomAD exomes 0.37544.
gnomAD v4.1: 587,257 of 1,598,460 alleles (37%); highest among the groups gnomAD compares: Non-Finnish European, 40%; 113,073 homozygotes.

Submissions (2):

GeneDx
Classification: Benign. Last evaluated: 2018-06-19. Review status: criteria provided, single submitter. Criteria: GeneDx Variant Classification (06012015). Collection method: clinical testing. Allele origin: germline. Affected: yes.
Comment: This variant is considered likely benign or benign based on one or more of the following criteria: it is a conservative change, it occurs at a poorly conserved position in the protein, it is predicted to be benign by multiple in silico algorithms, and/or has population frequency not consistent with disease.

Breakthrough Genomics
Classification: Benign. Review status: criteria provided, single submitter. Criteria: ACMG Guidelines, 2015. Collection method: not provided. Allele origin: germline. Inheritance: Autosomal recessive inheritance. Affected: yes.

NM_201384.3(PLEC):c.1042-93G>A

Gene: PLEC (plectin; minus strand). Cytogenetic location: 8q24.3.
Variant type: single nucleotide variant.
Coding change: c.1042-93G>A on transcript NM_201384.3 (MANE Select); 93 bases into the intron before coding-DNA position 1042, G replaced by A.
Molecular consequence: intron variant.
Genome position (GRCh38, 1-based): chr8:143,934,538, C>T on the plus strand (G>A on the coding strand, the complement: PLEC is on the minus strand). VCF-style: chr8-143934538-C-T. GRCh37 (hg19) VCF-style: chr8-145008706-C-T.
Other names: c.1123-93G>A (NM_000445.5); c.1000-93G>A (NM_201378.4); c.976-93G>A (NM_201379.3); c.1453-93G>A (NM_201380.4); c.946-93G>A (NM_201381.3); c.1042-93G>A (NM_201382.4); c.1054-93G>A (NM_201383.3).
Identifiers: ClinVar variation 667912 (VCV000667912.2), dbSNP rs11782433, ClinGen allele CA12780809.